The following is an entry in ClinVar:

ClinVar aggregate classification (germline): Uncertain significance. Review status: criteria provided, multiple submitters, no conflicts (2 of 4 stars). 2 submissions from 2 submitters: Uncertain significance (2). Last evaluated 2024-08-26.

Conditions:
Inborn genetic diseases. Identifiers: MedGen C0950123, MeSH D030342.

Allele frequency attached by ClinVar (database versions not stated): ExAC 0.00003; TOPMed 0.00003; gnomAD exomes 0.00006; gnomAD 0.00007; 1000 Genomes Project 0.00020; 1000 Genomes Project 30x 0.00031.
gnomAD v4.1: 97 of 1,601,154 alleles (0.0061%); highest among the groups gnomAD compares: Middle Eastern, 0.33%; 1 homozygote.

Submissions (2):

Ambry Genetics
Classification: Uncertain significance for Inborn genetic diseases. Last evaluated: 2024-08-26. Review status: criteria provided, single submitter. Criteria: Ambry Variant Classification Scheme 2023. Collection method: clinical testing. Allele origin: germline.

Labcorp Genetics (formerly Invitae), Labcorp
Classification: Uncertain significance. Last evaluated: 2022-08-10. Review status: criteria provided, single submitter. Criteria: Invitae Variant Classification Sherloc (09022015). Collection method: clinical testing. Allele origin: germline.
Comment: This sequence change replaces isoleucine, which is neutral and non-polar, with valine, which is neutral and non-polar, at codon 51 of the ERCC8 protein (p.Ile51Val). This variant is present in population databases (rs61759478, gnomAD 0.01%). This variant has not been reported in the literature in individuals affected with ERCC8-related conditions. Algorithms developed to predict the effect of missense changes on protein structure and function are either unavailable or do not agree on the potential impact of this missense change (SIFT: "Deleterious"; PolyPhen-2: "Benign"; Align-GVGD: "Class C0"). In summary, the available evidence is currently insufficient to determine the role of this variant in disease. Therefore, it has been classified as a Variant of Uncertain Significance.

NM_000082.4(ERCC8):c.151A>G (p.Ile51Val)

Gene: ERCC8 (ERCC excision repair 8, CSA ubiquitin ligase complex subunit; minus strand). Cytogenetic location: 5q12.1.
Variant type: single nucleotide variant.
Coding change: c.151A>G on transcript NM_000082.4 (MANE Select); coding-DNA position 151, A replaced by G.
Protein change: p.Ile51Val; replaces isoleucine 51 with valine.
Molecular consequence: missense variant. On other transcripts: 5 prime UTR variant (2).
Genome position (GRCh38, 1-based): chr5:60,928,886, T>C on the plus strand (A>G on the coding strand, the complement: ERCC8 is on the minus strand). VCF-style: chr5-60928886-T-C. GRCh37 (hg19) VCF-style: chr5-60224713-T-C.
Other names: c.-242A>G (NM_001007233.3); c.151A>G, p.Ile51Val (NM_001007234.3); c.-227A>G (NM_001290285.2); short protein forms I51V.
Identifiers: ClinVar variation 1979647 (VCV001979647.2), dbSNP rs61759478, ClinGen allele CA3277947.